The following is an entry in ClinVar:

NM_003079.5(SMARCE1):c.872A>G (p.Gln291Arg)

Gene: SMARCE1 (SWI/SNF related BAF chromatin remodeling complex subunit E1; minus strand). Cytogenetic location: 17q21.2.
Variant type: single nucleotide variant.
Coding change: c.872A>G on transcript NM_003079.5 (MANE Select); coding-DNA position 872, A replaced by G.
Protein change: p.Gln291Arg; replaces glutamine 291 with arginine.
Molecular consequence: missense variant.
Genome position (GRCh38, 1-based): chr17:40,630,869, T>C on the plus strand (A>G on the coding strand, the complement: SMARCE1 is on the minus strand). VCF-style: chr17-40630869-T-C. GRCh37 (hg19) VCF-style: chr17-38787121-T-C.
Other names: short protein forms Q291R.
Identifiers: ClinVar variation 822687 (VCV000822687.16), dbSNP rs1307270981, ClinGen allele CA399363821.
Genomic context (GRCh38, chr17:40,630,869, plus strand): 5'-GCTTGCTCTGCGGCCTCCTTCTCCCTTTCCTCCTGCCTTTTGCGGGCCTGTTCCTCTGCC[T>C]GTGCAATCTCAGCTGCAATTTTCTCCATATCCACTTCTACTTTCAGACCGCACAACTAAT-3'
Protein context (NP_003070.3, residues 281-301): DMEKIAAEIA[Gln291Arg]AEEQARKRQE

ClinVar aggregate classification (germline): Conflicting classifications of pathogenicity. Review status: criteria provided, conflicting classifications (1 of 4 stars). 3 submissions from 3 submitters: Uncertain significance (2); Likely benign (1). Last evaluated 2025-09-12.

Conditions:
Familial meningioma. Also called: Meningioma, familial, susceptibility to. Identifiers: Orphanet 263662, MedGen C3551915, MONDO:0011789, OMIM 607174.
Hereditary cancer-predisposing syndrome. Also called: Tumor predisposition; Hereditary Cancer Syndrome; Neoplastic Syndromes, Hereditary; Hereditary neoplastic syndrome. Identifiers: Orphanet 140162, MedGen C0027672, MeSH D009386, MONDO:0015356.

Allele frequency attached by ClinVar (database versions not stated): gnomAD 0.00003; TOPMed 0.00004.
gnomAD v4.1: 4 of 1,613,860 alleles (0.00025%); highest among the groups gnomAD compares: African/African-American, 0.0053%; no homozygotes.

Submissions (3):

Labcorp Genetics (formerly Invitae), Labcorp
Classification: Uncertain significance for Familial meningioma. Last evaluated: 2025-09-12. Review status: criteria provided, single submitter. Criteria: Invitae Variant Classification Sherloc (09022015). Collection method: clinical testing. Allele origin: germline.
Comment: This sequence change replaces glutamine, which is neutral and polar, with arginine, which is basic and polar, at codon 291 of the SMARCE1 protein (p.Gln291Arg). This variant is present in population databases (no rsID available, gnomAD 0.02%). This variant has not been reported in the literature in individuals affected with SMARCE1-related conditions. ClinVar contains an entry for this variant (Variation ID: 822687). Invitae Evidence Modeling of protein sequence and biophysical properties (such as structural, functional, and spatial information, amino acid conservation, physicochemical variation, residue mobility, and thermodynamic stability) indicates that this missense variant is not expected to disrupt SMARCE1 protein function with a negative predictive value of 80%. In summary, the available evidence is currently insufficient to determine the role of this variant in disease. Therefore, it has been classified as a Variant of Uncertain Significance.

GeneDx
Classification: Uncertain significance. Last evaluated: 2025-04-10. Review status: criteria provided, single submitter. Criteria: GeneDx Variant Classification Process June 2021. Collection method: clinical testing. Allele origin: germline. Affected: yes.
Comment: In silico analysis indicates that this missense variant does not alter protein structure/function; Has not been previously published as pathogenic or benign to our knowledge

Ambry Genetics
Classification: Likely benign for Hereditary cancer-predisposing syndrome. Last evaluated: 2024-09-28. Review status: criteria provided, single submitter. Criteria: Ambry Variant Classification Scheme 2023. Collection method: clinical testing. Allele origin: germline.